The following is an entry in ClinVar:

NM_000135.4(FANCA):c.2151+1dup

Gene: FANCA (FA complementation group A; minus strand). Cytogenetic location: 16q24.3.
Variant type: Duplication.
Coding change: c.2151+1dup on transcript NM_000135.4 (MANE Select); the canonical splice donor site of the intron after coding-DNA position 2151, one base duplicated (G; older notation c.2151+1dupG).
Molecular consequence: splice donor variant.
Genome position (GRCh38, 1-based): chr16:89,771,677, C duplicated on the plus strand (G on the coding strand, the reverse complement: FANCA is on the minus strand); the first of 2 consecutive C bases (chr16:89,771,677-89,771,678); duplicating either gives the same sequence. VCF-style (leftmost placement, unchanged base first): chr16-89771676-A-AC. GRCh37 (hg19) VCF-style: chr16-89838084-A-AC.
Other names: c.2151+1dup (NM_001286167.3).
Identifiers: ClinVar variation 966776 (VCV000966776.17), dbSNP rs777971510, ClinGen allele CA8251890.

ClinVar aggregate classification (germline): Pathogenic/Likely pathogenic. Review status: criteria provided, multiple submitters, no conflicts (2 of 4 stars). 7 submissions from 7 submitters: Pathogenic (1); Likely pathogenic (5). 1 of the submissions does not count toward it. Last evaluated 2026-03-06.

Conditions:
Fanconi anemia (FA). Also called: Fanconi's anemia. Identifiers: Orphanet 84, MedGen C0015625, MeSH D005199, MONDO:0019391.
Fanconi anemia complementation group A (FANCA). Also called: FANCA-Related Fanconi Anemia; Fanconi anemia, group A. Identifiers: Orphanet 84, MedGen C3469521, MONDO:0009215, OMIM 227650.

Submissions (7):

Department of Clinical Genetics, Copenhagen University Hospital, Rigshospitalet
Classification: Pathogenic for Fanconi anemia. Last evaluated: 2026-03-06. Review status: criteria provided, single submitter. Criteria: ACMG Guidelines, 2015. Collection method: clinical testing. Allele origin: germline. Affected: yes. Observed: 1 variant allele.
Comment: The following ACMG criteria has been used: PVS1_(RNA), PP4, PM2_SUP and PM3_MOD

Myriad Genetics, Inc.
Classification: Likely pathogenic for Fanconi anemia complementation group A. Last evaluated: 2025-09-30. Review status: criteria provided, single submitter. Criteria: Myriad Autosomal Dominant, Autosomal Recessive and X-Linked Classification Criteria (2023). Collection method: clinical testing. Allele origin: unknown.
Comment: NM_000135.2(FANCA):c.2151+1dupG is a variant in a canonical splice site classified as likely pathogenic in the context of Fanconi anemia complementation group A. c.2151+1dupG has not been observed in cases with relevant disease. Relevant functional assessments of this variant are not available in the literature. c.2151+1dupG has been observed in referenced population frequency databases. In summary, NM_000135.2(FANCA):c.2151+1dupG is a variant in a canonical splice site in a gene where loss of function is a known mechanism of disease and is predicted to disrupt protein function. Please note: this variant was assessed in the context of healthy population screening.

GeneKor MSA
Classification: Likely pathogenic for Fanconi anemia complementation group A. Last evaluated: 2025-05-15. Review status: criteria provided, single submitter. Criteria: ACMG Guidelines, 2015. Collection method: clinical testing. Allele origin: germline. Affected: yes.
Comment: This finding involves the insertion of a single nucleotide immediately after exon 23 of the FANCA gene. This alteration affects the splice site, leading to aberrant mRNA splicing and the production of a truncated, non-functional protein (PMID:16199547). Variants resulting in loss of function of the FANCA protein are considered pathogenic (PMID:19367192). This particular variant is reported in population databases (rs777971510, ExAC frequency:0.003%) and is listed in the ClinVar database as likely pathogenic (VCV000966776.13). Based on the above evidence, this variant is classified as likely pathogenic.

Baylor Genetics
Classification: Likely pathogenic for Fanconi anemia complementation group A. Last evaluated: 2024-02-23. Review status: criteria provided, single submitter. Criteria: ACMG Guidelines, 2015. Collection method: clinical testing. Allele origin: unknown.

Labcorp Genetics (formerly Invitae), Labcorp
Classification: Likely pathogenic for Fanconi anemia. Last evaluated: 2022-02-03. Review status: criteria provided, single submitter. Criteria: Invitae Variant Classification Sherloc (09022015). Collection method: clinical testing. Allele origin: germline.
Comment: ClinVar contains an entry for this variant (Variation ID: 966776). This sequence change affects a splice site in intron 23 of the FANCA gene. It is expected to disrupt RNA splicing. Variants that disrupt the donor or acceptor splice site typically lead to a loss of protein function (PMID: 16199547), and loss-of-function variants in FANCA are known to be pathogenic (PMID: 19367192). This variant is present in population databases (rs777971510, gnomAD 0.002%). This variant has not been reported in the literature in individuals affected with FANCA-related conditions. Algorithms developed to predict the effect of sequence changes on RNA splicing suggest that this variant may disrupt the consensus splice site. In summary, the currently available evidence indicates that the variant is pathogenic, but additional data are needed to prove that conclusively. Therefore, this variant has been classified as Likely Pathogenic.

Fulgent Genetics
Classification: Likely pathogenic for Fanconi anemia complementation group A. Last evaluated: 2021-10-14. Review status: criteria provided, single submitter. Criteria: ACMG Guidelines, 2015. Collection method: clinical testing. Allele origin: unknown.

Natera, Inc.
Classification: Likely pathogenic for Fanconi anemia. Last evaluated: 2020-03-18. Review status: no assertion criteria provided. Collection method: clinical testing. Allele origin: germline. Not counted in ClinVar's aggregate classification.

Literature cited by the submitters: PubMed 16199547 (cited by GeneKor MSA and Labcorp Genetics (formerly Invitae), Labcorp); PubMed 19367192 (cited by GeneKor MSA and Labcorp Genetics (formerly Invitae), Labcorp).